The following is an entry in ClinVar:

ClinVar aggregate classification (germline): Pathogenic (1 of 4 stars; one submission).

Conditions:
Breast-ovarian cancer, familial, susceptibility to, 2 (BROVCA2). Also called: BRCA2 Hereditary Breast and Ovarian Cancer. Identifiers: Orphanet 145, MedGen C2675520, MONDO:0012933, OMIM 612555. Disease mechanism: loss of function.

Submission:

Dasa
Classification: Pathogenic for Breast-ovarian cancer, familial, susceptibility to, 2. Last evaluated: 2026-03-07. Review status: criteria provided, single submitter. Criteria: DASA Assertion Criteria. Collection method: clinical testing. Allele origin: germline.
Comment: NM_000059.4(BRCA2):c.8792dup (p.Asn2931Lysfs*8) is a frameshift variant in BRCA2 predicted to alter the reading frame and introduce a premature termination codon and is predicted to result in an absent or altered protein product. Loss of function is an established disease mechanism for BRCA2 (PMID: 16199546; PMID: 17063271; PMID: 25632310). The affected residue or protein region has prior evidence supporting clinical relevance. Also, this variant is rare in population databases. Based on the currently available evidence, this variant is classified as pathogenic.

Literature cited by the submitters: PubMed 16199546; PubMed 17063271; PubMed 25632310.

NM_000059.4(BRCA2):c.8792dup (p.Asn2931fs)

Gene: BRCA2 (BRCA2 DNA repair associated; plus strand). Cytogenetic location: 13q13.1.
Variant type: Duplication.
Coding change: c.8792dup on transcript NM_000059.4 (MANE Select); coding-DNA position 8792, one base duplicated (A; older notation c.8792dupA).
Protein change: p.Asn2931fs; shifts the reading frame from asparagine 2931.
Molecular consequence: frameshift variant. On other transcripts: non-coding transcript variant (1).
Genome position (GRCh38, 1-based): chr13:32,379,354, A duplicated; the last of 2 consecutive A bases (chr13:32,379,353-32,379,354); duplicating either gives the same sequence. VCF-style (leftmost placement, unchanged base first): chr13-32379352-T-TA. GRCh37 (hg19) VCF-style: chr13-32953489-T-TA.
Other names: c.8696dup, p.Asn2899fs (NM_001406719.1); c.8792dup, p.Asn2931fs (NM_001406720.1, NM_001432077.1); c.3860dup, p.Asn1287fs (NM_001406721.1); c.2375dup, p.Asn792fs (NM_001406722.1); short protein forms N1287fs, N2899fs, N2931fs, N792fs.
Identifiers: ClinVar variation 4852599 (VCV004852599.2).